The following is an entry in ClinVar:

ClinVar aggregate classification (germline): Uncertain significance. Review status: criteria provided, multiple submitters, no conflicts (2 of 4 stars). 2 submissions from 2 submitters: Uncertain significance (2). Last evaluated 2024-10-09.

Allele frequency attached by ClinVar (database versions not stated): gnomAD exomes below 0.00001.
gnomAD v4.1: 2 of 1,614,170 alleles (0.00012%); highest among the groups gnomAD compares: Non-Finnish European, 0.00017%; no homozygotes.

Submissions (2):

Dasa
Classification: Uncertain significance. Last evaluated: 2024-10-09. Review status: criteria provided, single submitter. Criteria: DASA Assertion Criteria. Collection method: clinical testing. Allele origin: germline.
Comment: NM_004525.3(LRP2):c.10352C>A (p.Pro3451Gln) is a missense variant that results in the substitution of proline with glutamine. This variant is rare in population databases. The currently available literature and clinical evidence are not sufficient to establish a definitive association between this variant and the reported condition. Therefore, this variant is classified as a variant of uncertain significance.

Labcorp Genetics (formerly Invitae), Labcorp
Classification: Uncertain significance. Last evaluated: 2022-01-11. Review status: criteria provided, single submitter. Criteria: Invitae Variant Classification Sherloc (09022015). Collection method: clinical testing. Allele origin: germline.
Comment: This sequence change replaces proline, which is neutral and non-polar, with glutamine, which is neutral and polar, at codon 3451 of the LRP2 protein (p.Pro3451Gln). This variant is not present in population databases (gnomAD no frequency). This variant has not been reported in the literature in individuals affected with LRP2-related conditions. Advanced modeling of protein sequence and biophysical properties (such as structural, functional, and spatial information, amino acid conservation, physicochemical variation, residue mobility, and thermodynamic stability) performed at Invitae indicates that this missense variant is expected to disrupt LRP2 protein function. In summary, the available evidence is currently insufficient to determine the role of this variant in disease. Therefore, it has been classified as a Variant of Uncertain Significance.

NM_004525.3(LRP2):c.10352C>A (p.Pro3451Gln)

Gene: LRP2 (LDL receptor related protein 2; minus strand). Cytogenetic location: 2q31.1.
Variant type: single nucleotide variant.
Coding change: c.10352C>A on transcript NM_004525.3 (MANE Select); coding-DNA position 10352, C replaced by A.
Protein change: p.Pro3451Gln; replaces proline 3451 with glutamine.
Molecular consequence: missense variant.
Genome position (GRCh38, 1-based): chr2:169,177,844, G>T on the plus strand (C>A on the coding strand, the complement: LRP2 is on the minus strand). VCF-style: chr2-169177844-G-T. GRCh37 (hg19) VCF-style: chr2-170034354-G-T.
Other names: short protein forms P3451Q.
Identifiers: ClinVar variation 2079010 (VCV002079010.3), dbSNP rs1574100896, ClinGen allele CA349148780.
Genomic context (GRCh38, chr2:169,177,844, plus strand): 5'-CCCTCAATCACCTACTCACCAATGGGCTGCCTATATGGATGGTACACATGGATGTCAAAT[G>T]GTCTGTGTGTTGTGTTCACCAGTGTCTGTCTATTTGATCCATCATATTTGTTTCCCTTTT-3'
Protein context (NP_004516.2, residues 3441-3461): RQTLVNTTHR[Pro3451Gln]FDIHVYHPYR